The following is an entry in ClinVar:

NM_020975.6(RET):c.2401C>T (p.Leu801Phe)

Gene: RET (ret proto-oncogene; plus strand). Cytogenetic location: 10q11.21.
Variant type: single nucleotide variant.
Coding change: c.2401C>T on transcript NM_020975.6 (MANE Select); coding-DNA position 2401, C replaced by T.
Protein change: p.Leu801Phe; replaces leucine 801 with phenylalanine.
Molecular consequence: missense variant.
Genome position (GRCh38, 1-based): chr10:43,119,539, C>T. VCF-style: chr10-43119539-C-T. GRCh37 (hg19) VCF-style: chr10-43614987-C-T.
Other names: c.2401C>T, p.Leu801Phe (NM_001406743.1, NM_001406744.1, NM_001406759.1 and 4 more transcripts); c.2272C>T, p.Leu758Phe (NM_001406761.1, NM_001406762.1, NM_001406764.1); c.2266C>T, p.Leu756Phe (NM_001406763.1, NM_001406765.1); c.2113C>T, p.Leu705Phe (NM_001406766.1, NM_001406767.1, NM_001406770.1); c.2137C>T, p.Leu713Phe (NM_001406768.1); c.2005C>T, p.Leu669Phe (NM_001406769.1, NM_001406772.1); c.1963C>T, p.Leu655Phe (NM_001406771.1, NM_001406773.1); c.1876C>T, p.Leu626Phe (NM_001406774.1); and 10 more; short protein forms L462F, L626F, L756F, L406F, L471F, L547F, L559F, L669F.
Identifiers: ClinVar variation 2134960 (VCV002134960.5), dbSNP rs1364361946, ClinGen allele CA376556009.

ClinVar aggregate classification (germline): Uncertain significance. Review status: criteria provided, multiple submitters, no conflicts (2 of 4 stars). 2 submissions from 2 submitters: Uncertain significance (2). Last evaluated 2025-02-02.

Conditions:
Hereditary cancer-predisposing syndrome. Also called: Hereditary neoplastic syndrome; Hereditary Cancer Syndrome; Tumor predisposition; Neoplastic Syndromes, Hereditary. Identifiers: Orphanet 140162, MedGen C0027672, MeSH D009386, MONDO:0015356.
Multiple endocrine neoplasia, type 2 (MEN2). Identifiers: Orphanet 653, MedGen C4048306, MONDO:0019003. Disease mechanism: gain of function.

Allele frequency attached by ClinVar (database versions not stated): TOPMed below 0.00001; gnomAD 0.00001.

Submissions (2):

Labcorp Genetics (formerly Invitae), Labcorp
Classification: Uncertain significance for Multiple endocrine neoplasia, type 2. Last evaluated: 2025-02-02. Review status: criteria provided, single submitter. Criteria: Invitae Variant Classification Sherloc (09022015). Collection method: clinical testing. Allele origin: germline.
Comment: This sequence change replaces leucine, which is neutral and non-polar, with phenylalanine, which is neutral and non-polar, at codon 801 of the RET protein (p.Leu801Phe). This variant is not present in population databases (gnomAD no frequency). This variant has not been reported in the literature in individuals affected with RET-related conditions. ClinVar contains an entry for this variant (Variation ID: 2134960). An algorithm developed to predict the effect of missense changes on protein structure and function outputs the following: PolyPhen-2: "Benign". The phenylalanine amino acid residue is found in multiple mammalian species, which suggests that this missense change does not adversely affect protein function. In summary, the available evidence is currently insufficient to determine the role of this variant in disease. Therefore, it has been classified as a Variant of Uncertain Significance.

Ambry Genetics
Classification: Uncertain significance for Hereditary cancer-predisposing syndrome. Last evaluated: 2024-11-15. Review status: criteria provided, single submitter. Criteria: Ambry Variant Classification Scheme 2023. Collection method: clinical testing. Allele origin: germline.
Comment: The p.L801F variant (also known as c.2401C>T), located in coding exon 14 of the RET gene, results from a C to T substitution at nucleotide position 2401. The leucine at codon 801 is replaced by phenylalanine, an amino acid with highly similar properties. This amino acid position is conserved. In addition, this alteration is predicted to be tolerated by in silico analysis. Based on the available evidence, the clinical significance of this variant remains unclear.